The following is an entry in ClinVar:

ClinVar aggregate classification (germline): Uncertain significance (1 of 4 stars; one submission).

Conditions:
Tumor predisposition syndrome 3 (TPDS3). Also called: Melanoma, cutaneous malignant, susceptibility to, 10; LONG TELOMERE SYNDROME, POT1-RELATED; POT1 Tumor Predisposition; Glioma susceptibility 9. Identifiers: Orphanet 618, MedGen C4014476, MONDO:0014368, OMIM 615848.

Submission:

Labcorp Genetics (formerly Invitae), Labcorp
Classification: Uncertain significance for Tumor predisposition syndrome 3. Last evaluated: 2024-04-10. Review status: criteria provided, single submitter. Criteria: Invitae Variant Classification Sherloc (09022015). Collection method: clinical testing. Allele origin: germline.
Comment: This sequence change replaces valine, which is neutral and non-polar, with phenylalanine, which is neutral and non-polar, at codon 391 of the POT1 protein (p.Val391Phe). This variant is not present in population databases (gnomAD no frequency). This variant has not been reported in the literature in individuals affected with POT1-related conditions. Advanced modeling of protein sequence and biophysical properties (such as structural, functional, and spatial information, amino acid conservation, physicochemical variation, residue mobility, and thermodynamic stability) performed at Invitae indicates that this missense variant is not expected to disrupt POT1 protein function with a negative predictive value of 80%. In summary, the available evidence is currently insufficient to determine the role of this variant in disease. Therefore, it has been classified as a Variant of Uncertain Significance.

NM_015450.3(POT1):c.1171G>T (p.Val391Phe)

Gene: POT1 (protection of telomeres 1; minus strand). Cytogenetic location: 7q31.33.
Variant type: single nucleotide variant.
Coding change: c.1171G>T on transcript NM_015450.3 (MANE Select); coding-DNA position 1171, G replaced by T.
Protein change: p.Val391Phe; replaces valine 391 with phenylalanine.
Molecular consequence: missense variant. On other transcripts: non-coding transcript variant (3).
Genome position (GRCh38, 1-based): chr7:124,841,171, C>A on the plus strand (G>T on the coding strand, the complement: POT1 is on the minus strand). VCF-style: chr7-124841171-C-A. GRCh37 (hg19) VCF-style: chr7-124481225-C-A.
Other names: c.778G>T, p.Val260Phe (NM_001042594.2); short protein forms V260F, V391F.
Identifiers: ClinVar variation 2784751 (VCV002784751.3), dbSNP rs2116462199, ClinGen allele CA369067749.